The following is an entry in ClinVar:

ClinVar aggregate classification (germline): Uncertain significance. Review status: criteria provided, multiple submitters, no conflicts (2 of 4 stars). 3 submissions from 3 submitters: Uncertain significance (3). Last evaluated 2022-09-29.

Conditions:
Cystinuria (CSNU). Also called: CYSTINURIA, TYPE I; CYSTINURIA, TYPE II; CYSTINURIA, TYPE III; Cystinuria, non-type I. Identifiers: Orphanet 214, MedGen C0010691, MONDO:0009067, OMIM 220100, HP:0003131.

Allele frequency attached by ClinVar (database versions not stated): TOPMed 0.00003; gnomAD 0.00006 and 0.00009; ExAC 0.00012; 1000 Genomes Project 30x 0.00031; 1000 Genomes Project 0.00040.

Submissions (3):

Labcorp Genetics (formerly Invitae), Labcorp
Classification: Uncertain significance for Cystinuria. Last evaluated: 2022-09-29. Review status: criteria provided, single submitter. Criteria: Invitae Variant Classification Sherloc (09022015). Collection method: clinical testing. Allele origin: germline.
Comment: This sequence change replaces isoleucine, which is neutral and non-polar, with valine, which is neutral and non-polar, at codon 105 of the SLC3A1 protein (p.Ile105Val). This variant is present in population databases (rs200093674, gnomAD 0.05%). This variant has not been reported in the literature in individuals affected with SLC3A1-related conditions. ClinVar contains an entry for this variant (Variation ID: 898639). Algorithms developed to predict the effect of missense changes on protein structure and function output the following: SIFT: "Tolerated"; PolyPhen-2: "Benign"; Align-GVGD: "Class C0". The valine amino acid residue is found in multiple mammalian species, which suggests that this missense change does not adversely affect protein function. In summary, the available evidence is currently insufficient to determine the role of this variant in disease. Therefore, it has been classified as a Variant of Uncertain Significance.

Fulgent Genetics
Classification: Uncertain significance for Cystinuria. Last evaluated: 2022-04-13. Review status: criteria provided, single submitter. Criteria: ACMG Guidelines, 2015. Collection method: clinical testing. Allele origin: unknown.

Illumina Laboratory Services, Illumina
Classification: Uncertain significance for Cystinuria. Last evaluated: 2018-01-13. Review status: criteria provided, single submitter. Criteria: ICSL Variant Classification Criteria 13 December 2019. Collection method: clinical testing. Allele origin: germline.

NM_000341.4(SLC3A1):c.313A>G (p.Ile105Val)

Gene: SLC3A1 (solute carrier family 3 member 1; plus strand). Cytogenetic location: 2p21.
Variant type: single nucleotide variant.
Coding change: c.313A>G on transcript NM_000341.4 (MANE Select); coding-DNA position 313, A replaced by G.
Protein change: p.Ile105Val; replaces isoleucine 105 with valine.
Molecular consequence: missense variant.
Genome position (GRCh38, 1-based): chr2:44,275,848, A>G. VCF-style: chr2-44275848-A-G. GRCh37 (hg19) VCF-style: chr2-44502987-A-G.
Other names: short protein forms I105V.
Identifiers: ClinVar variation 898639 (VCV000898639.7), dbSNP rs200093674, ClinGen allele CA1640085.